The following is an entry in ClinVar:

NM_001378615.1(CC2D2A):c.384del (p.Arg129fs)

Genes: CC2D2A (coiled-coil and C2 domain containing 2A; plus strand), FBXL5 (F-box and leucine rich repeat protein 5; minus strand). Cytogenetic location: 4p15.32.
Variant type: Deletion.
Coding change: c.384del on transcript NM_001378615.1 (MANE Select); coding-DNA position 384, one base deleted (C; older notation c.384delC).
Protein change: p.Arg129fs; shifts the reading frame from arginine 129.
Molecular consequence: frameshift variant.
Genome position (GRCh38, 1-based): chr4:15,502,869, C deleted; the last of 3 consecutive C bases (chr4:15,502,867-15,502,869); deleting any one gives the same sequence. VCF-style (leftmost placement, unchanged base first): chr4-15502866-GC-G. GRCh37 (hg19) VCF-style: chr4-15504489-GC-G.
Other names: c.384del, p.Arg129fs (NM_001080522.2); c.237del, p.Arg80fs (NM_001378617.1); short protein forms R129fs, R80fs.
Identifiers: ClinVar variation 2947051 (VCV002947051.3), dbSNP rs2474890363, ClinGen allele CA2670071298.

ClinVar aggregate classification (germline): Pathogenic (1 of 4 stars; one submission).

Conditions:
Joubert syndrome. Also called: JOUBERT-BOLTSHAUSER SYNDROME; Familial aplasia of the vermis. Identifiers: Orphanet 475, MedGen C5979921, MONDO:0018772.
Meckel-Gruber syndrome. Also called: DYSENCEPHALIA SPLANCHNOCYSTICA; GRUBER SYNDROME; Dysencephalia splachnocystica. Identifiers: Orphanet 564, MedGen C0265215, MONDO:0018921.

Submission:

Labcorp Genetics (formerly Invitae), Labcorp
Classification: Pathogenic for Joubert syndrome; Meckel-Gruber syndrome. Last evaluated: 2023-04-24. Review status: criteria provided, single submitter. Criteria: Invitae Variant Classification Sherloc (09022015). Collection method: clinical testing. Allele origin: germline.
Comment: This sequence change creates a premature translational stop signal (p.Arg129Aspfs*23) in the CC2D2A gene. It is expected to result in an absent or disrupted protein product. Loss-of-function variants in CC2D2A are known to be pathogenic (PMID: 19777577). This variant is not present in population databases (gnomAD no frequency). For these reasons, this variant has been classified as Pathogenic. This variant has not been reported in the literature in individuals affected with CC2D2A-related conditions.

Literature cited by the submitters: PubMed 19777577.